The following is an entry in ClinVar:

ClinVar aggregate classification (germline): Pathogenic (1 of 4 stars; one submission).

Conditions:
Ichthyosis linearis circumflexa. Identifiers: MedGen C0265962, MONDO:0043106, HP:0025810.

Submission:

Labcorp Genetics (formerly Invitae), Labcorp
Classification: Pathogenic for Ichthyosis linearis circumflexa. Last evaluated: 2018-11-15. Review status: criteria provided, single submitter. Criteria: Invitae Variant Classification Sherloc (09022015). Collection method: clinical testing. Allele origin: germline.
Comment: For these reasons, this variant has been classified as Pathogenic. Loss-of-function variants in SPINK5 are known to be pathogenic (PMID: 11511292, 11841556). This variant has not been reported in the literature in individuals with SPINK5-related disease. This variant is not present in population databases (ExAC no frequency). This sequence change creates a premature translational stop signal (p.Cys119_Asp122delinsAspAsnIle*) in the SPINK5 gene. It is expected to result in an absent or disrupted protein product.

Literature cited by the submitters: PubMed 11511292; PubMed 11841556.

NM_006846.4(SPINK5):c.355_371delinsGACAACATATGACAACAGATGAC (p.Cys119_Lys124delinsAspAsnIleTer)

Gene: SPINK5 (serine peptidase inhibitor Kazal type 5; plus strand). Cytogenetic location: 5q32.
Variant type: Indel.
Coding change: c.355_371delinsGACAACATATGACAACAGATGAC on transcript NM_006846.4 (MANE Select); coding-DNA positions 355 to 371, TGTGGCACAGATGGGAA replaced by GACAACATATGACAACAGATGAC.
Protein change: p.Cys119_Lys124delinsAspAsnIleTer.
Molecular consequence: nonsense.
Genome position (GRCh38, 1-based): chr5:148,086,477-148,086,493, TGTGGCACAGATGGGAA replaced by GACAACATATGACAACAGATGAC. GRCh37 (hg19): chr5:147,466,040-147,466,056.
Other names: c.355_371delinsGACAACATATGACAACAGATGAC, p.Cys119_Lys124delinsAspAsnIleTer (NM_001127698.2, NM_001127699.2).
Identifiers: ClinVar variation 661320 (VCV000661320.6), dbSNP rs1581064755, ClinGen allele CA915942667.